The following is an entry in ClinVar:

NM_005359.6(SMAD4):c.1052A>T (p.Asp351Val)

Gene: SMAD4 (SMAD family member 4; plus strand). Cytogenetic location: 18q21.2.
Variant type: single nucleotide variant.
Coding change: c.1052A>T on transcript NM_005359.6 (MANE Select); coding-DNA position 1052, A replaced by T.
Protein change: p.Asp351Val; replaces aspartic acid 351 with valine.
Molecular consequence: missense variant.
Genome position (GRCh38, 1-based): chr18:51,065,519, A>T. VCF-style: chr18-51065519-A-T. GRCh37 (hg19) VCF-style: chr18-48591889-A-T.
Other names: short protein forms D351V.
Identifiers: ClinVar variation 405499 (VCV000405499.17), dbSNP rs1060500741, ClinGen allele CA16616080.

ClinVar aggregate classification (germline): Pathogenic/Likely pathogenic. Review status: criteria provided, multiple submitters, no conflicts (2 of 4 stars). 4 submissions from 4 submitters: Pathogenic (1); Likely pathogenic (2). 1 of the submissions does not count toward it. Last evaluated 2026-09-11.

Conditions:
Hereditary cancer-predisposing syndrome. Also called: Neoplastic Syndromes, Hereditary; Hereditary Cancer Syndrome; Tumor predisposition; Hereditary neoplastic syndrome. Identifiers: Orphanet 140162, MedGen C0027672, MeSH D009386, MONDO:0015356.
Familial thoracic aortic aneurysm and aortic dissection (TAAD). Also called: Thoracic aortic aneurysms and dissections. Identifiers: Orphanet 91387, MedGen C4707243, MONDO:0019625.
Juvenile polyposis syndrome (JPS). Identifiers: Orphanet 2929, MedGen C0345893, MONDO:0017380, OMIM 174900.
SMAD4-related disorder. Also called: SMAD4-related condition; SMAD4-Related disorders.

Submissions (4):

Ambry Genetics
Classification: Pathogenic for Hereditary cancer-predisposing syndrome; Familial thoracic aortic aneurysm and aortic dissection. Last evaluated: 2026-09-11. Review status: criteria provided, single submitter. Criteria: Ambry Variant Classification Scheme 2023. Collection method: clinical testing. Allele origin: germline.
Comment: The p.D351V pathogenic mutation (also known as c.1052A>T), located in coding exon 8 of the SMAD4 gene, results from an A to T substitution at nucleotide position 1052. The aspartic acid at codon 351 is replaced by valine, an amino acid with highly dissimilar properties. This variant has also been observed in individuals who have a personal or family history that is consistent with JPS (Ambry internal data). The same amino acid change has been reported in an individual with overlapping features of JPS and hereditary hemorrhagic telangiectasia (HTT) (Bishop JC et al. J Pediatr Genet, 2018 Jun;7:78-82). This variant was not reported in population-based cohorts in the Genome Aggregation Database (gnomAD). This amino acid position is highly conserved in vertebrate species. In addition, this alteration is predicted to be deleterious by in silico analysis. Based on the supporting evidence, this alteration is interpreted as a disease-causing mutation.

Women's Health and Genetics/Laboratory Corporation of America, LabCorp
Classification: Likely pathogenic for Juvenile polyposis syndrome. Last evaluated: 2024-12-27. Review status: criteria provided, single submitter. Criteria: LabCorp Variant Classification Summary - May 2015. Collection method: clinical testing. Allele origin: germline.
Comment: Variant summary: SMAD4 c.1052A>T (p.Asp351Val) results in a non-conservative amino acid change located in the SMAD/FHA domain (IPR008984) of the encoded protein sequence. Five of five in-silico tools predict a damaging effect of the variant on protein function. The variant was absent in 251444 control chromosomes. c.1052A>T has been reported in the literature in individuals affected with Juvenile Polyposis Syndrome and Hereditary Hemorrhagic Telangiectasia (Bishop_2018, Caillot_2024). It has also been reported as de novo in an individual affected with Juvenile Polyposis Syndrome (Labcorp, formerly Invitae). To our knowledge, no experimental evidence demonstrating an impact on protein function has been reported. The following publications have been ascertained in the context of this evaluation (PMID: 28685087, 29707409, 38575304). ClinVar contains an entry for this variant (Variation ID: 405499). Based on the evidence outlined above, the variant was classified as likely pathogenic.

Labcorp Genetics (formerly Invitae), Labcorp
Classification: Likely pathogenic for Juvenile polyposis syndrome. Last evaluated: 2024-04-22. Review status: criteria provided, single submitter. Criteria: Invitae Variant Classification Sherloc (09022015). Collection method: clinical testing. Allele origin: germline.
Comment: This sequence change replaces aspartic acid, which is acidic and polar, with valine, which is neutral and non-polar, at codon 351 of the SMAD4 protein (p.Asp351Val). This variant is not present in population databases (gnomAD no frequency). This missense change has been observed in individual(s) with hereditary hemorrhagic telangiectasia and/or juvenile polyposis syndrome (PMID: 29707409; Invitae). In at least one individual the variant was observed to be de novo. ClinVar contains an entry for this variant (Variation ID: 405499). Advanced modeling of protein sequence and biophysical properties (such as structural, functional, and spatial information, amino acid conservation, physicochemical variation, residue mobility, and thermodynamic stability) has been performed at Invitae for this missense variant, however the output from this modeling did not meet the statistical confidence thresholds required to predict the impact of this variant on SMAD4 protein function. In summary, the currently available evidence indicates that the variant is pathogenic, but additional data are needed to prove that conclusively. Therefore, this variant has been classified as Likely Pathogenic.

PreventionGenetics, part of Exact Sciences
Classification: Uncertain significance for SMAD4-related condition. Last evaluated: 2024-01-09. Review status: no assertion criteria provided. Collection method: clinical testing. Allele origin: germline. Not counted in ClinVar's aggregate classification.
Comment: The SMAD4 c.1052A>T variant is predicted to result in the amino acid substitution p.Asp351Val. This variant was reported in an individual with juvenile idiopathic arthritis with combined JP-HHT syndrome (Bishop et al. 2018. PubMed ID: 29707409) and in a tumor sample from an individual with colorectal cancer (Adua et al. 2017. PubMed ID: 28685087). This variant has not been reported in a large population database, indicating this variant is rare. It has conflicting interpretations of uncertain and pathogenic in ClinVar. At this time, the clinical significance of this variant is uncertain due to the absence of conclusive functional and genetic evidence.

Literature cited by the submitters: PubMed 29707409 (cited by 3 submitters); PubMed 28685087 (cited by Women's Health and Genetics/Laboratory Corporation of America, LabCorp); PubMed 38575304 (cited by Women's Health and Genetics/Laboratory Corporation of America, LabCorp).